The following is an entry in ClinVar:

ClinVar aggregate classification (germline): Uncertain significance. Review status: criteria provided, multiple submitters, no conflicts (2 of 4 stars). 3 submissions from 3 submitters: Uncertain significance (3). Last evaluated 2025-08-06.

Conditions:
Inborn genetic diseases. Identifiers: MedGen C0950123, MeSH D030342.
Familial cold autoinflammatory syndrome 2 (FCAS2). Identifiers: Orphanet 247868, MedGen C2673198, MONDO:0012724, OMIM 611762.

Allele frequency attached by ClinVar (database versions not stated): gnomAD exomes 0.00001.
gnomAD v4.1: 12 of 1,613,950 alleles (0.00074%); highest among the groups gnomAD compares: Non-Finnish European, 0.00093%; no homozygotes.

Submissions (3):

Labcorp Genetics (formerly Invitae), Labcorp
Classification: Uncertain significance for Familial cold autoinflammatory syndrome 2. Last evaluated: 2025-08-06. Review status: criteria provided, single submitter. Criteria: Invitae Variant Classification Sherloc (09022015). Collection method: clinical testing. Allele origin: germline.
Comment: This sequence change replaces cysteine, which is neutral and slightly polar, with serine, which is neutral and polar, at codon 150 of the NLRP12 protein (p.Cys150Ser). This variant is present in population databases (rs746324074, gnomAD 0.002%). This variant has not been reported in the literature in individuals affected with NLRP12-related conditions. ClinVar contains an entry for this variant (Variation ID: 1331013). An algorithm developed to predict the effect of missense changes on protein structure and function (PolyPhen-2) suggests that this variant is likely to be tolerated. In summary, the available evidence is currently insufficient to determine the role of this variant in disease. Therefore, it has been classified as a Variant of Uncertain Significance.

Ambry Genetics
Classification: Uncertain significance for Inborn genetic diseases. Last evaluated: 2023-04-20. Review status: criteria provided, single submitter. Criteria: Ambry Variant Classification Scheme 2023. Collection method: clinical testing. Allele origin: germline.

ARUP Laboratories, Molecular Genetics and Genomics, ARUP Laboratories
Classification: Uncertain significance for Familial cold autoinflammatory syndrome 2. Last evaluated: 2021-10-11. Review status: criteria provided, single submitter. Criteria: ARUP Molecular Germline Variant Investigation Process 2021. Collection method: clinical testing. Allele origin: germline.
Comment: The NLRP12 c.448T>A; p.Cys150Ser variant (rs746324074), to our knowledge, is not reported in the medical literature or gene specific databases. This variant is only observed on two alleles in the Genome Aggregation Database, indicating it is not a common polymorphism. The cysteine at codon 150 is moderately conserved, and computational analyses are uncertain whether this variant is neutral or deleterious (REVEL: 0.335). Due to limited information, the clinical significance of the p.Cys150Ser variant is uncertain at this time.

NM_144687.4(NLRP12):c.448T>A (p.Cys150Ser)

Gene: NLRP12 (NLR family pyrin domain containing 12; minus strand). Cytogenetic location: 19q13.42.
Variant type: single nucleotide variant.
Coding change: c.448T>A on transcript NM_144687.4 (MANE Select); coding-DNA position 448, T replaced by A.
Protein change: p.Cys150Ser; replaces cysteine 150 with serine.
Molecular consequence: missense variant.
Genome position (GRCh38, 1-based): chr19:53,811,211, A>T on the plus strand (T>A on the coding strand, the complement: NLRP12 is on the minus strand). VCF-style: chr19-53811211-A-T. GRCh37 (hg19) VCF-style: chr19-54314465-A-T.
Other names: c.448T>A, p.Cys150Ser (NM_001277126.2, NM_001277129.1); c.448T>A (NM_144687.2); short protein forms C150S.
Identifiers: ClinVar variation 1331013 (VCV001331013.10), dbSNP rs746324074, ClinGen allele CA310071390.
Genomic context (GRCh38, chr19:53,811,211, plus strand): 5'-TGGGGTTTGAGTGCTCCTTCACCAGCAGGAGCCGGGTGTACCGGTGGCTGAGGTTGACAC[A>T]TTCCCCTAGGCGCGCATTGCGGTCTTCCATGAGCCGGAATTTCCTGCGGACATAGTCCCT-3'
Protein context (NP_653288.1, residues 140-160): MEDRNARLGE[Cys150Ser]VNLSHRYTRL